The following is an entry in ClinVar:

ClinVar aggregate classification (germline): Conflicting classifications of pathogenicity. Review status: criteria provided, conflicting classifications (1 of 4 stars). 3 submissions from 3 submitters: Uncertain significance (2); Likely benign (1). Last evaluated 2024-11-01.

Conditions:
Kabuki syndrome 1 (KABUK1). Also called: KMT2D-Related Kabuki Syndrome. Identifiers: Orphanet 2322, MedGen CN030661, MONDO:0007843, OMIM 147920.
Choanal atresia-athelia-hypothyroidism-delayed puberty-short stature syndrome (BCAHH). Also called: BRANCHIAL ARCH ABNORMALITIES, CHOANAL ATRESIA, ATHELIA, HEARING LOSS, AND HYPOTHYROIDISM SYNDROME. Identifiers: Orphanet 589856, MedGen C5680310, MONDO:0035651, OMIM 620186.
KMT2D-related disorder. Also called: KMT2D-Related Disorders.
Kabuki syndrome. Also called: NIIKAWA-KUROKI SYNDROME; Kabuki make-up syndrome. Identifiers: Orphanet 2322, MedGen C0796004, MONDO:0016512.

Allele frequency attached by ClinVar (database versions not stated): gnomAD exomes below 0.00001; TOPMed below 0.00001.
gnomAD v4.1: 1 of 1,613,784 alleles (0.000062%); highest among the groups gnomAD compares: Non-Finnish European, 0.000085%; no homozygotes.

Submissions (3):

PreventionGenetics, part of Exact Sciences
Classification: Uncertain significance for KMT2D-related condition. Last evaluated: 2024-11-01. Review status: criteria provided, single submitter. Criteria: ACMG Guidelines, 2015. Collection method: clinical testing. Allele origin: germline.
Comment: The KMT2D c.3394G>A variant is predicted to result in the amino acid substitution p.Gly1132Ser. To our knowledge, this variant has not been reported in the literature. This variant is reported in 0.00089% of alleles in individuals of European (Non-Finnish) descent in gnomAD. At this time, the clinical significance of this variant is uncertain due to the absence of conclusive functional and genetic evidence.

Fulgent Genetics
Classification: Uncertain significance for Kabuki syndrome 1; Choanal atresia-athelia-hypothyroidism-delayed puberty-short stature syndrome. Last evaluated: 2024-01-14. Review status: criteria provided, single submitter. Criteria: ACMG Guidelines, 2015. Collection method: clinical testing. Allele origin: germline.

Labcorp Genetics (formerly Invitae), Labcorp
Classification: Likely benign for Kabuki syndrome. Last evaluated: 2022-07-15. Review status: criteria provided, single submitter. Criteria: Invitae Variant Classification Sherloc (09022015). Collection method: clinical testing. Allele origin: germline.

NM_003482.4(KMT2D):c.3394G>A (p.Gly1132Ser)

Gene: KMT2D (lysine methyltransferase 2D; minus strand). Cytogenetic location: 12q13.12.
Variant type: single nucleotide variant.
Coding change: c.3394G>A on transcript NM_003482.4 (MANE Select); coding-DNA position 3394, G replaced by A.
Protein change: p.Gly1132Ser; replaces glycine 1132 with serine.
Molecular consequence: missense variant.
Genome position (GRCh38, 1-based): chr12:49,050,194, C>T on the plus strand (G>A on the coding strand, the complement: KMT2D is on the minus strand). VCF-style: chr12-49050194-C-T. GRCh37 (hg19) VCF-style: chr12-49443977-C-T.
Other names: short protein forms G1132S.
Identifiers: ClinVar variation 2130695 (VCV002130695.6), dbSNP rs1167191582, ClinGen allele CA384656939.